The following is an entry in ClinVar:

ClinVar aggregate classification (germline): Uncertain significance (1 of 4 stars; one submission).

Submission:

Labcorp Genetics (formerly Invitae), Labcorp
Classification: Uncertain significance. Last evaluated: 2025-03-12. Review status: criteria provided, single submitter. Criteria: Invitae Variant Classification Sherloc (09022015). Collection method: clinical testing. Allele origin: germline.
Comment: This sequence change replaces isoleucine, which is neutral and non-polar, with valine, which is neutral and non-polar, at codon 334 of the NUP133 protein (p.Ile334Val). This variant is present in population databases (rs747498155, gnomAD 0.008%). This variant has not been reported in the literature in individuals affected with NUP133-related conditions. An algorithm developed to predict the effect of missense changes on protein structure and function outputs the following: PolyPhen-2: "Benign". The valine amino acid residue is found in multiple mammalian species, which suggests that this missense change does not adversely affect protein function. In summary, the available evidence is currently insufficient to determine the role of this variant in disease. Therefore, it has been classified as a Variant of Uncertain Significance.

NM_018230.3(NUP133):c.1000A>G (p.Ile334Val)

Gene: NUP133 (nucleoporin 133; minus strand). Cytogenetic location: 1q42.13.
Variant type: single nucleotide variant.
Coding change: c.1000A>G on transcript NM_018230.3 (MANE Select); coding-DNA position 1000, A replaced by G.
Protein change: p.Ile334Val; replaces isoleucine 334 with valine.
Molecular consequence: missense variant.
Genome position (GRCh38, 1-based): chr1:229,495,541, T>C on the plus strand (A>G on the coding strand, the complement: NUP133 is on the minus strand). VCF-style: chr1-229495541-T-C. GRCh37 (hg19) VCF-style: chr1-229631288-T-C.
Other names: short protein forms I334V.
Identifiers: ClinVar variation 4776300 (VCV004776300.1).
Genomic context (GRCh38, chr1:229,495,541, plus strand): 5'-AATTAATTGCTTACCAGTTTTGCTTCAAGTCCAAATATCGAATGTTGACTCCTTCTTTAA[T>C]AGCTTCATAGTTACTTTCAGATCCCTACATGAAAATATCAATAATGTAAGCTTCTCAAGT-3'
Protein context (NP_060700.2, residues 324-344): IWGSESNYEA[Ile334Val]KEGVNIRYLD